The following is an entry in ClinVar:

NM_001845.6(COL4A1):c.13C>T (p.Leu5Phe)

Gene: COL4A1 (collagen type IV alpha 1 chain; minus strand). Cytogenetic location: 13q34.
Variant type: single nucleotide variant.
Coding change: c.13C>T on transcript NM_001845.6 (MANE Select); coding-DNA position 13, C replaced by T.
Protein change: p.Leu5Phe; replaces leucine 5 with phenylalanine.
Molecular consequence: missense variant.
Genome position (GRCh38, 1-based): chr13:110,307,015, G>A on the plus strand (C>T on the coding strand, the complement: COL4A1 is on the minus strand). VCF-style: chr13-110307015-G-A. GRCh37 (hg19) VCF-style: chr13-110959362-G-A.
Other names: c.13C>T, p.Leu5Phe (NM_001303110.2); short protein forms L5F.
Identifiers: ClinVar variation 1357959 (VCV001357959.6), dbSNP rs1466736813, ClinGen allele CA388732757.
Genomic context (GRCh38, chr13:110,307,015, plus strand): 5'-CCCGGCTGTGCTCCTCGTGGAGCAGAAGGGCGGCGGGCAGCAGCAGCAGCCAGACGCTGA[G>A]CCGGGGCCCCATGGTGGCGCGCCCGAGGCGGCGAGGGACGGCTGCCCGGCGTGCGGGGGC-3'
Protein context (NP_001836.3, residues 1-15): MGPR[Leu5Phe]SVWLLLLPAA

ClinVar aggregate classification (germline): Uncertain significance (1 of 4 stars; one submission).

Allele frequency attached by ClinVar (database versions not stated): gnomAD exomes 0.00001.

Submission:

Labcorp Genetics (formerly Invitae), Labcorp
Classification: Uncertain significance. Last evaluated: 2025-04-09. Review status: criteria provided, single submitter. Criteria: Invitae Variant Classification Sherloc (09022015). Collection method: clinical testing. Allele origin: germline.
Comment: This sequence change replaces leucine, which is neutral and non-polar, with phenylalanine, which is neutral and non-polar, at codon 5 of the COL4A1 protein (p.Leu5Phe). This variant is present in population databases (no rsID available, gnomAD 0.003%). This variant has not been reported in the literature in individuals affected with COL4A1-related conditions. ClinVar contains an entry for this variant (Variation ID: 1357959). Invitae Evidence Modeling of protein sequence and biophysical properties (such as structural, functional, and spatial information, amino acid conservation, physicochemical variation, residue mobility, and thermodynamic stability) indicates that this missense variant is not expected to disrupt COL4A1 protein function with a negative predictive value of 95%. In summary, the available evidence is currently insufficient to determine the role of this variant in disease. Therefore, it has been classified as a Variant of Uncertain Significance.